The following is an entry in ClinVar:

ClinVar aggregate classification (germline): Benign. Review status: criteria provided, multiple submitters, no conflicts (2 of 4 stars). 3 submissions from 3 submitters: Benign (2). 1 of the submissions does not count toward it. Last evaluated 2025-10-21.

Conditions:
EP300-related disorder. Also called: EP300-related disorders; EP300-related condition.
Rubinstein-Taybi syndrome due to EP300 haploinsufficiency. Also called: RUBINSTEIN-TAYBI SYNDROME 2; EP300-Related Rubinstein-Taybi Syndrome. Identifiers: Orphanet 353284, Orphanet 783, MedGen C3150941, MONDO:0013364, OMIM 613684.

Allele frequency attached by ClinVar (database versions not stated): gnomAD exomes 0.00005 and 0.00018; ExAC 0.00019; 1000 Genomes Project 0.00020; 1000 Genomes Project 30x 0.00031; gnomAD 0.00043 and 0.00049; TOPMed 0.00043; ESP Exome Variant Server 0.00077.
gnomAD v4.1: 134 of 1,614,160 alleles (0.0083%); highest among the groups gnomAD compares: African/African-American, 0.15%; no homozygotes.

Submissions (3):

Labcorp Genetics (formerly Invitae), Labcorp
Classification: Benign for Rubinstein-Taybi syndrome due to EP300 haploinsufficiency. Last evaluated: 2025-10-21. Review status: criteria provided, single submitter. Criteria: Invitae Variant Classification Sherloc (09022015). Collection method: clinical testing. Allele origin: germline.

GeneDx
Classification: Benign. Last evaluated: 2021-07-25. Review status: criteria provided, single submitter. Criteria: GeneDx Variant Classification Process June 2021. Collection method: clinical testing. Allele origin: germline. Affected: yes.

PreventionGenetics, part of Exact Sciences
Classification: Likely benign for EP300-related condition. Last evaluated: 2021-10-18. Review status: no assertion criteria provided. Collection method: clinical testing. Allele origin: germline. Not counted in ClinVar's aggregate classification.
Comment: This variant is classified as likely benign based on ACMG/AMP sequence variant interpretation guidelines (Richards et al. 2015 PMID: 25741868, with internal and published modifications).

NM_001429.4(EP300):c.5364C>T (p.Leu1788=)

Gene: EP300 (EP300 lysine acetyltransferase; plus strand). Cytogenetic location: 22q13.2.
Variant type: single nucleotide variant.
Coding change: c.5364C>T on transcript NM_001429.4 (MANE Select); coding-DNA position 5364, C replaced by T.
Protein change: p.Leu1788=; no amino-acid change (leucine 1788 retained).
Molecular consequence: synonymous variant.
Genome position (GRCh38, 1-based): chr22:41,177,075, C>T. VCF-style: chr22-41177075-C-T. GRCh37 (hg19) VCF-style: chr22-41573079-C-T.
Other names: c.5286C>T, p.Leu1762= (NM_001362843.2).
Identifiers: ClinVar variation 1302034 (VCV001302034.13), dbSNP rs143551315, ClinGen allele CA10253626.
Genomic context (GRCh38, chr22:41,177,075, plus strand): 5'-CAAGGGTTGCAAACGGAAAACCAATGGCGGGTGCCCCATCTGCAAGCAGCTCATTGCCCT[C>T]TGCTGCTACCATGCCAAGCACTGCCAGGAGAACAAATGCCCGGTGCCGTTCTGCCTAAAC-3'
Protein context (NP_001420.2, residues 1778-1798): GCPICKQLIA[Leu1788=]CCYHAKHCQE